The following is an entry in ClinVar:

NM_000548.5(TSC2):c.1132C>T (p.Pro378Ser)

Gene: TSC2 (TSC complex subunit 2; plus strand). Cytogenetic location: 16p13.3.
Variant type: single nucleotide variant.
Coding change: c.1132C>T on transcript NM_000548.5 (MANE Select); coding-DNA position 1132, C replaced by T.
Protein change: p.Pro378Ser; replaces proline 378 with serine.
Molecular consequence: missense variant. On other transcripts: 5 prime UTR variant (10), non-coding transcript variant (5).
Genome position (GRCh38, 1-based): chr16:2,061,883, C>T. VCF-style: chr16-2061883-C-T. GRCh37 (hg19) VCF-style: chr16-2111884-C-T.
Other names: c.1132C>T, p.Pro378Ser (NM_001077183.3, NM_001114382.3, NM_001363528.2 and 6 more transcripts); c.1021C>T, p.Pro341Ser (NM_001318827.2, NM_001406670.1, NM_001406678.1); c.985C>T, p.Pro329Ser (NM_001318829.2, NM_001406675.1, NM_001406676.1 and 1 more transcripts); c.532C>T, p.Pro178Ser (NM_001318831.2, NM_001406680.1, NM_001406682.1 and 6 more transcripts); c.1165C>T, p.Pro389Ser (NM_001318832.2); c.670C>T, p.Pro224Ser (NM_001406681.1); c.-213C>T (NM_001406689.1, NM_001406690.1, NM_001406691.1 and 4 more transcripts); c.-181C>T (NM_001406694.1, NM_001406695.1); and 4 more; short protein forms P178S, P224S, P329S, P341S, P359S, P374S, P378S, P389S.
Identifiers: ClinVar variation 4802844 (VCV004802844.1).

ClinVar aggregate classification (germline): Uncertain significance (1 of 4 stars; one submission).

Conditions:
Tuberous sclerosis 2 (TSC2). Identifiers: Orphanet 805, MedGen C1860707, MONDO:0013199, OMIM 613254.

Submission:

Labcorp Genetics (formerly Invitae), Labcorp
Classification: Uncertain significance for Tuberous sclerosis 2. Last evaluated: 2025-06-11. Review status: criteria provided, single submitter. Criteria: Invitae Variant Classification Sherloc (09022015). Collection method: clinical testing. Allele origin: germline.
Comment: This sequence change replaces proline, which is neutral and non-polar, with serine, which is neutral and polar, at codon 378 of the TSC2 protein (p.Pro378Ser). This variant is not present in population databases (gnomAD no frequency). This variant has not been reported in the literature in individuals affected with TSC2-related conditions. Invitae Evidence Modeling of protein sequence and biophysical properties (such as structural, functional, and spatial information, amino acid conservation, physicochemical variation, residue mobility, and thermodynamic stability) indicates that this missense variant is not expected to disrupt TSC2 protein function with a negative predictive value of 95%. In summary, the available evidence is currently insufficient to determine the role of this variant in disease. Therefore, it has been classified as a Variant of Uncertain Significance.